The following is an entry in ClinVar:

ClinVar aggregate classification (germline): Likely pathogenic (0 of 4 stars; one submission).

Conditions:
ZNF462-related disorder. Also called: ZNF462-related condition; ZNF462 related disease.

Submission:

PreventionGenetics, part of Exact Sciences
Classification: Likely pathogenic for ZNF462-related condition. Last evaluated: 2024-07-03. Review status: no assertion criteria provided. Collection method: clinical testing. Allele origin: germline.
Comment: The ZNF462 c.1141_1227delinsTGCT variant is predicted to result in a frameshift and premature protein termination (p.Ser381Cysfs*25). To our knowledge, this variant has not been reported in the literature or in a large population database, indicating this variant is rare. Frameshift variants in ZNF462 are expected to be pathogenic. This variant is interpreted as likely pathogenic.

NM_021224.6(ZNF462):c.1141_1227delinsTGCT (p.Ser381fs)

Gene: ZNF462 (zinc finger protein 462; plus strand). Cytogenetic location: 9q31.2.
Variant type: Indel.
Coding change: c.1141_1227delinsTGCT on transcript NM_021224.6 (MANE Select); coding-DNA positions 1141 to 1227, the reference bases replaced by TGCT.
Protein change: p.Ser381fs; shifts the reading frame from serine 381.
Molecular consequence: frameshift variant.
Genome position (GRCh38, 1-based): chr9:106,925,053-106,925,139, 87 bases replaced. GRCh37 (hg19): chr9:109,687,334-109,687,420.
Other names: c.1141_1227delinsTGCT, p.Ser381fs (NM_001347997.2); short protein forms S381fs.
Identifiers: ClinVar variation 3345808 (VCV003345808.1).